The following is an entry in ClinVar:

ClinVar aggregate classification (germline): Uncertain significance (1 of 4 stars; one submission).

Conditions:
Intellectual disability, autosomal dominant 15 (CSS3). Also called: COFFIN-SIRIS SYNDROME 3. Identifiers: Orphanet 1465, MedGen C3553248, MONDO:0013820, OMIM 614608.

Submission:

MVZ Medizinische Genetik Mainz
Classification: Uncertain significance for Intellectual disability, autosomal dominant 15. Last evaluated: 2023-05-19. Review status: criteria provided, single submitter. Criteria: UK Practice Guidelines For Variant Classification V4 01 2020. Collection method: clinical testing. Allele origin: germline. Inheritance: Autosomal dominant inheritance. Affected: yes. Observed: 1 variant allele.
Comment: ACMG Criteria: PM2_SUP,PP3

NM_003073.5(SMARCB1):c.629-18_629-9del

Gene: SMARCB1 (SWI/SNF related BAF chromatin remodeling complex subunit B1; plus strand). Cytogenetic location: 22q11.23.
Variant type: Deletion.
Coding change: c.629-18_629-9del on transcript NM_003073.5 (MANE Select); 18 bases into the intron before coding-DNA position 629 through 9 bases into the intron before coding-DNA position 629, 10 bases deleted (TCCCTCTCCT; older notation c.629-18_629-9delTCCCTCTCCT).
Molecular consequence: intron variant.
Genome position (GRCh38, 1-based): chr22:23,816,752-23,816,761, TCCCTCTCCT deleted; deleting any 10 consecutive bases within chr22:23,816,749-23,816,761 gives the same sequence; the c. name uses the placement nearest the transcript's 3' end. VCF-style (leftmost placement, unchanged base first): chr22-23816748-CCCTTCCCTCT-C. GRCh37 (hg19) VCF-style: chr22-24158935-CCCTTCCCTCT-C.
Other names: c.683-18_683-9del (NM_001362877.2); c.656-18_656-9del (NM_001317946.2); c.602-18_602-9del (NM_001007468.3).
Identifiers: ClinVar variation 3066184 (VCV003066184.1), dbSNP rs2517707979, ClinGen allele CA2740097874.